The following is an entry in ClinVar:

ClinVar aggregate classification (germline): Uncertain significance (1 of 4 stars; one submission).

Allele frequency attached by ClinVar (database versions not stated): gnomAD exomes below 0.00001.
gnomAD v4.1: 5 of 1,608,072 alleles (0.00031%); highest among the groups gnomAD compares: Non-Finnish European, 0.00042%; no homozygotes.

Submission:

Labcorp Genetics (formerly Invitae), Labcorp
Classification: Uncertain significance. Last evaluated: 2023-10-06. Review status: criteria provided, single submitter. Criteria: Invitae Variant Classification Sherloc (09022015). Collection method: clinical testing. Allele origin: germline.
Comment: This sequence change replaces phenylalanine, which is neutral and non-polar, with leucine, which is neutral and non-polar, at codon 814 of the CAMTA1 protein (p.Phe814Leu). This variant is not present in population databases (gnomAD no frequency). This variant has not been reported in the literature in individuals affected with CAMTA1-related conditions. An algorithm developed to predict the effect of missense changes on protein structure and function (PolyPhen-2) suggests that this variant is likely to be tolerated. In summary, the available evidence is currently insufficient to determine the role of this variant in disease. Therefore, it has been classified as a Variant of Uncertain Significance.

NM_015215.4(CAMTA1):c.2442C>G (p.Phe814Leu)

Gene: CAMTA1 (calmodulin binding transcription activator 1; plus strand). Cytogenetic location: 1p36.23.
Variant type: single nucleotide variant.
Coding change: c.2442C>G on transcript NM_015215.4 (MANE Select); coding-DNA position 2442, C replaced by G.
Protein change: p.Phe814Leu; replaces phenylalanine 814 with leucine.
Molecular consequence: missense variant.
Genome position (GRCh38, 1-based): chr1:7,664,989, C>G. VCF-style: chr1-7664989-C-G. GRCh37 (hg19) VCF-style: chr1-7725049-C-G.
Other names: c.2352C>G, p.Phe784Leu (NM_001349608.2, NM_001349612.2); c.2442C>G, p.Phe814Leu (NM_001349609.2, NM_001349610.2, NM_001410737.1); c.2370C>G, p.Phe790Leu (NM_001410738.1); short protein forms F790L, F784L, F814L.
Identifiers: ClinVar variation 3005452 (VCV003005452.3), dbSNP rs1340712854, ClinGen allele CA338134916.